The following is an entry in ClinVar:

ClinVar aggregate classification (germline): Likely benign. Review status: criteria provided, multiple submitters, no conflicts (2 of 4 stars). 3 submissions from 3 submitters: Likely benign (2). 1 of the submissions does not count toward it. Last evaluated 2025-05-27.

Conditions:
Myopathy, lactic acidosis, and sideroblastic anemia 1 (MLASA1). Identifiers: Orphanet 2598, MedGen C4551958, MONDO:0024553, OMIM 600462.

Allele frequency attached by ClinVar (database versions not stated): TOPMed 0.00004; 1000 Genomes Project 30x 0.00016.
gnomAD v4.1: 84 of 1,613,764 alleles (0.0052%); highest among the groups gnomAD compares: South Asian, 0.043%; no homozygotes.

Submissions (3):

Labcorp Genetics (formerly Invitae), Labcorp
Classification: Likely benign. Last evaluated: 2025-05-27. Review status: criteria provided, single submitter. Criteria: Invitae Variant Classification Sherloc (09022015). Collection method: clinical testing. Allele origin: germline.

CeGaT Center for Human Genetics Tuebingen
Classification: Likely benign. Last evaluated: 2022-10-01. Review status: criteria provided, single submitter. Criteria: CeGaT Center For Human Genetics Tuebingen Variant Classification Criteria Version 2. Collection method: clinical testing. Allele origin: germline. Affected: yes. Observed: 1 variant allele.
Comment: PUS1: BP4, BP7

Natera, Inc.
Classification: Likely benign for Myopathy, lactic acidosis, and sideroblastic anemia 1. Last evaluated: 2020-05-20. Review status: no assertion criteria provided. Collection method: clinical testing. Allele origin: germline. Not counted in ClinVar's aggregate classification.

NM_025215.6(PUS1):c.1065G>A (p.Pro355=)

Gene: PUS1 (pseudouridine synthase 1; plus strand). Cytogenetic location: 12q24.33.
Variant type: single nucleotide variant.
Coding change: c.1065G>A on transcript NM_025215.6 (MANE Select); coding-DNA position 1065, G replaced by A.
Protein change: p.Pro355=; no amino-acid change (proline 355 retained).
Molecular consequence: synonymous variant.
Genome position (GRCh38, 1-based): chr12:131,941,812, G>A. VCF-style: chr12-131941812-G-A. GRCh37 (hg19) VCF-style: chr12-132426357-G-A.
Other names: c.981G>A, p.Pro327= (NM_001002019.3, NM_001002020.3).
Identifiers: ClinVar variation 766349 (VCV000766349.35), dbSNP rs147555676, ClinGen allele CA6884309.